The following is an entry in ClinVar:

ClinVar aggregate classification (germline): Uncertain significance (1 of 4 stars; one submission).

Conditions:
Capillary malformation-arteriovenous malformation syndrome. Also called: Capillary malformation-arteriovenous malformation. Identifiers: Orphanet 137667, MedGen C1842180, MONDO:0012016.

gnomAD v4.1: 4 of 1,612,136 alleles (0.00025%); highest among the groups gnomAD compares: Middle Eastern, 0.016%; no homozygotes.

Submission:

Labcorp Genetics (formerly Invitae), Labcorp
Classification: Uncertain significance for Capillary malformation-arteriovenous malformation syndrome. Last evaluated: 2025-05-04. Review status: criteria provided, single submitter. Criteria: Invitae Variant Classification Sherloc (09022015). Collection method: clinical testing. Allele origin: germline.
Comment: This sequence change replaces asparagine, which is neutral and polar, with serine, which is neutral and polar, at codon 393 of the RASA1 protein (p.Asn393Ser). This variant is present in population databases (rs759627317, gnomAD 0.006%). This variant has not been reported in the literature in individuals affected with RASA1-related conditions. An algorithm developed to predict the effect of missense changes on protein structure and function outputs the following: PolyPhen-2: "Benign". The serine amino acid residue is found in multiple mammalian species, which suggests that this missense change does not adversely affect protein function. In summary, the available evidence is currently insufficient to determine the role of this variant in disease. Therefore, it has been classified as a Variant of Uncertain Significance.

NM_002890.3(RASA1):c.1178A>G (p.Asn393Ser)

Genes: CCNH (cyclin H; minus strand), RASA1 (RAS p21 protein activator 1; plus strand). Cytogenetic location: 5q14.3.
Variant type: single nucleotide variant.
Coding change: c.1178A>G on transcript NM_002890.3 (MANE Select); coding-DNA position 1178, A replaced by G.
Protein change: p.Asn393Ser; replaces asparagine 393 with serine.
Molecular consequence: missense variant. On other transcripts: intron variant (1).
Genome position (GRCh38, 1-based): chr5:87,349,289, A>G. VCF-style: chr5-87349289-A-G. GRCh37 (hg19) VCF-style: chr5-86645106-A-G.
Other names: c.647A>G, p.Asn216Ser (NM_022650.3); c.934-36494T>C (NM_001364075.2); short protein forms N216S, N393S.
Identifiers: ClinVar variation 4695710 (VCV004695710.1).